The following is an entry in ClinVar:

ClinVar aggregate classification (germline): Uncertain significance. Review status: criteria provided, multiple submitters, no conflicts (2 of 4 stars). 4 submissions from 4 submitters: Uncertain significance (4). Last evaluated 2026-05-14.

Conditions:
Inborn genetic diseases. Identifiers: MedGen C0950123, MeSH D030342.

Allele frequency attached by ClinVar (database versions not stated): TOPMed below 0.00001; ExAC 0.00001; gnomAD 0.00001.
gnomAD v4.1: 3 of 1,614,004 alleles (0.00019%); highest among the groups gnomAD compares: Non-Finnish European, 0.00025%; no homozygotes.

Submissions (4):

Ambry Genetics
Classification: Uncertain significance for Inborn genetic diseases. Last evaluated: 2026-05-14. Review status: criteria provided, single submitter. Criteria: Ambry Variant Classification Scheme 2023. Collection method: clinical testing. Allele origin: germline.
Comment: The c.2902A>C (p.M968L) alteration is located in exon 17 (coding exon 15) of the SCN3A gene. This alteration results from a A to C substitution at nucleotide position 2902, causing the methionine (M) at amino acid position 968 to be replaced by a leucine (L). Based on data from gnomAD, the C allele has an overall frequency of <0.001% (1/251484) total alleles studied. The highest observed frequency was 0.001% (1/113760) of European (non-Finnish) alleles. Based on insufficient or conflicting evidence, the clinical significance of this alteration remains unclear.

Labcorp Genetics (formerly Invitae), Labcorp
Classification: Uncertain significance. Last evaluated: 2025-11-07. Review status: criteria provided, single submitter. Criteria: Invitae Variant Classification Sherloc (09022015). Collection method: clinical testing. Allele origin: germline.
Comment: This sequence change replaces methionine, which is neutral and non-polar, with leucine, which is neutral and non-polar, at codon 968 of the SCN3A protein (p.Met968Leu). This variant is present in population databases (rs749647165, gnomAD 0.0009%). This variant has not been reported in the literature in individuals affected with SCN3A-related conditions. ClinVar contains an entry for this variant (Variation ID: 2507357). Invitae Evidence Modeling of protein sequence and biophysical properties (such as structural, functional, and spatial information, amino acid conservation, physicochemical variation, residue mobility, and thermodynamic stability) has been performed for this missense variant. However, the output from this modeling did not meet the statistical confidence thresholds required to predict the impact of this variant on SCN3A protein function. In summary, the available evidence is currently insufficient to determine the role of this variant in disease. Therefore, it has been classified as a Variant of Uncertain Significance.

CeGaT Center for Human Genetics Tuebingen
Classification: Uncertain significance. Last evaluated: 2025-10-01. Review status: criteria provided, single submitter. Criteria: CeGaT Center For Human Genetics Tuebingen Variant Classification Criteria Version 2. Collection method: clinical testing. Allele origin: germline. Affected: yes. Observed: 1 variant allele.
Comment: SCN3A: PM2, PP2, PP3

GeneDx
Classification: Uncertain significance. Last evaluated: 2023-01-03. Review status: criteria provided, single submitter. Criteria: GeneDx Variant Classification Process June 2021. Collection method: clinical testing. Allele origin: germline. Affected: yes.
Comment: Not observed at significant frequency in large population cohorts (gnomAD); In silico analysis supports that this missense variant has a deleterious effect on protein structure/function; Has not been previously published as pathogenic or benign to our knowledge

NM_006922.4(SCN3A):c.2902A>C (p.Met968Leu)

Gene: SCN3A (sodium voltage-gated channel alpha subunit 3; minus strand). Cytogenetic location: 2q24.3.
Variant type: single nucleotide variant.
Coding change: c.2902A>C on transcript NM_006922.4 (MANE Select); coding-DNA position 2902, A replaced by C.
Protein change: p.Met968Leu; replaces methionine 968 with leucine.
Molecular consequence: missense variant.
Genome position (GRCh38, 1-based): chr2:165,129,960, T>G on the plus strand (A>C on the coding strand, the complement: SCN3A is on the minus strand). VCF-style: chr2-165129960-T-G. GRCh37 (hg19) VCF-style: chr2-165986470-T-G.
Other names: c.2755A>C, p.Met919Leu (NM_001081676.2, NM_001081677.2); short protein forms M919L, M968L.
Identifiers: ClinVar variation 2507357 (VCV002507357.9), dbSNP rs749647165, ClinGen allele CA1938892.
Genomic context (GRCh38, chr2:165,129,960, plus strand): 5'-CTCTTGTTCTAATTTATGAGCATTTGTACTACATACATACCACAAGGTTTCCAATGACCA[T>G]GACCAACATGAAAACAATAAGGCACATGGTTTGGCCAGCGACCTCCATACAGTCCCACAT-3'
Protein context (NP_008853.3, residues 958-978): TMCLIVFMLV[Met968Leu]VIGNLVVLNL